The following is an entry in ClinVar:

NM_000038.6(APC):c.1868G>A (p.Arg623Gln)

Gene: APC (APC regulator of Wnt signaling pathway; plus strand). Cytogenetic location: 5q22.2.
Variant type: single nucleotide variant.
Coding change: c.1868G>A on transcript NM_000038.6 (MANE Select); coding-DNA position 1868, G replaced by A.
Protein change: p.Arg623Gln; replaces arginine 623 with glutamine.
Molecular consequence: missense variant.
Genome position (GRCh38, 1-based): chr5:112,835,075, G>A. VCF-style: chr5-112835075-G-A. GRCh37 (hg19) VCF-style: chr5-112170772-G-A.
Other names: c.1868G>A, p.Arg623Gln (NM_001127510.3, NM_001354895.2); c.1814G>A, p.Arg605Gln (NM_001127511.3); c.1922G>A, p.Arg641Gln (NM_001354896.2); c.1898G>A, p.Arg633Gln (NM_001354897.2); c.1793G>A, p.Arg598Gln (NM_001354898.2); c.1784G>A, p.Arg595Gln (NM_001354899.2); c.1745G>A, p.Arg582Gln (NM_001354900.2); c.1691G>A, p.Arg564Gln (NM_001354901.2); and 5 more; short protein forms R623Q, R605Q, R463Q, R522Q, R595Q, R633Q, R340Q, R497Q.
Identifiers: ClinVar variation 486784 (VCV000486784.28), dbSNP rs765557332, ClinGen allele CA16025404.

ClinVar aggregate classification (germline): Uncertain significance. Review status: criteria provided, multiple submitters, no conflicts (2 of 4 stars). 8 submissions from 8 submitters: Uncertain significance (8). Last evaluated 2026-02-23.

Conditions:
Classic or attenuated familial adenomatous polyposis. Identifiers: MedGen CN372698, MONDO:0021057.
Hereditary cancer-predisposing syndrome. Also called: Tumor predisposition; Hereditary Cancer Syndrome; Hereditary neoplastic syndrome; Neoplastic Syndromes, Hereditary. Identifiers: Orphanet 140162, MedGen C0027672, MeSH D009386, MONDO:0015356.
Familial adenomatous polyposis 1 (FAP1). Also called: FAMILIAL ADENOMATOUS POLYPOSIS 1, ATTENUATED; POLYPOSIS, ADENOMATOUS INTESTINAL. Identifiers: MedGen C2713442, MONDO:0021056, OMIM 175100. Disease mechanism: loss of function.

Allele frequency attached by ClinVar (database versions not stated): gnomAD 0.00001; gnomAD exomes 0.00001; TOPMed 0.00001.
gnomAD v4.1: 10 of 1,613,970 alleles (0.00062%); highest among the groups gnomAD compares: Non-Finnish European, 0.00076%; no homozygotes.

Submissions (8):

Women's Health and Genetics/Laboratory Corporation of America, LabCorp
Classification: Uncertain significance. Last evaluated: 2026-02-23. Review status: criteria provided, single submitter. Criteria: LabCorp Variant Classification Summary - May 2015. Collection method: clinical testing. Allele origin: germline.
Comment: Variant summary: APC c.1868G>A (p.Arg623Gln) results in a conservative amino acid change in the encoded protein sequence. Algorithms developed to predict the effect of missense changes on protein structure and function are either unavailable or do not agree on the potential impact of this missense change. The variant was absent in 251354 control chromosomes. The available data on variant occurrences in the general population are insufficient to allow any conclusion about variant significance. To our knowledge, no occurrence of c.1868G>A in individuals affected with APC-related conditions and no experimental evidence demonstrating its impact on protein function have been reported. ClinVar contains an entry for this variant (Variation ID: 486784). Based on the evidence outlined above, the variant was classified as uncertain significance.

Labcorp Genetics (formerly Invitae), Labcorp
Classification: Uncertain significance for Familial adenomatous polyposis 1. Last evaluated: 2026-01-22. Review status: criteria provided, single submitter. Criteria: Invitae Variant Classification Sherloc (09022015). Collection method: clinical testing. Allele origin: germline.
Comment: This sequence change replaces arginine, which is basic and polar, with glutamine, which is neutral and polar, at codon 623 of the APC protein (p.Arg623Gln). This variant is present in population databases (rs765557332, gnomAD 0.007%). This variant has not been reported in the literature in individuals affected with APC-related conditions. ClinVar contains an entry for this variant (Variation ID: 486784). Invitae Evidence Modeling of protein sequence and biophysical properties (such as structural, functional, and spatial information, amino acid conservation, physicochemical variation, residue mobility, and thermodynamic stability) indicates that this missense variant is not expected to disrupt APC protein function with a negative predictive value of 95%. In summary, the available evidence is currently insufficient to determine the role of this variant in disease. Therefore, it has been classified as a Variant of Uncertain Significance.

Ambry Genetics
Classification: Uncertain significance for Hereditary cancer-predisposing syndrome. Last evaluated: 2025-04-16. Review status: criteria provided, single submitter. Criteria: Ambry Variant Classification Scheme 2023. Collection method: clinical testing. Allele origin: germline.
Comment: The p.R623Q variant (also known as c.1868G>A), located in coding exon 14 of the APC gene, results from a G to A substitution at nucleotide position 1868. The arginine at codon 623 is replaced by glutamine, an amino acid with highly similar properties. This amino acid position is highly conserved in available vertebrate species. In addition, in silico predictors for this gene do not accurately predict pathogenicity. RNA studies have demonstrated that this alteration results in a splice defect; the clinical impact of this abnormal splicing is unknown at this time (Ambry internal data). Since supporting evidence is limited at this time, the clinical significance of this alteration remains unclear.

Baylor Genetics
Classification: Uncertain significance for Familial adenomatous polyposis 1. Last evaluated: 2024-02-22. Review status: criteria provided, single submitter. Criteria: ACMG Guidelines, 2015. Collection method: clinical testing. Allele origin: unknown.

Department of Pathology and Laboratory Medicine, Sinai Health System
Classification: Uncertain significance for classic or attenuated familial adenomatous polyposis. Last evaluated: 2024-01-31. Review status: criteria provided, single submitter. Criteria: ACMG Guidelines, 2015. Collection method: clinical testing. Allele origin: germline. Affected: yes.

All of Us Research Program, National Institutes of Health
Classification: Uncertain significance for Classic or attenuated familial adenomatous polyposis. Last evaluated: 2023-08-15. Review status: criteria provided, single submitter. Criteria: ACMG Guidelines, 2015. Collection method: clinical testing. Allele origin: germline. Inheritance: Autosomal dominant inheritance. Observed: 1 variant allele, 1 heterozygote.
Comment: This missense variant replaces arginine with glutamine at codon 623 of the APC protein. Computational prediction suggests that this variant may not impact protein structure and function (internally defined REVEL score threshold <= 0.5, PMID: 27666373). To our knowledge, functional studies have not been reported for this variant. This variant has not been reported in individuals affected with hereditary cancer in the literature. This variant has been identified in 1/31408 chromosomes in the general population by the Genome Aggregation Database (gnomAD). The available evidence is insufficient to determine the role of this variant in disease conclusively. Therefore, this variant is classified as a Variant of Uncertain Significance.

This study involves interpretation of variants in research participants for the purpose of population health screening. Participant phenotype was not available at the time of variant classification. Additional details can be found in publication PMID: 35346344, PMCID: PMC8962531

GeneDx
Classification: Uncertain significance. Last evaluated: 2022-11-08. Review status: criteria provided, single submitter. Criteria: GeneDx Variant Classification Process June 2021. Collection method: clinical testing. Allele origin: germline. Affected: yes.
Comment: Not observed at significant frequency in large population cohorts (gnomAD); In silico analysis supports that this missense variant does not alter protein structure/function; Has not been previously published as pathogenic or benign to our knowledge; This variant is associated with the following publications: (PMID: 28481359, 11768390, 18199528)

Color Diagnostics, LLC DBA Color Health
Classification: Uncertain significance for Hereditary cancer-predisposing syndrome. Last evaluated: 2022-06-07. Review status: criteria provided, single submitter. Criteria: ACMG Guidelines, 2015. Collection method: clinical testing. Allele origin: germline.
Comment: This missense variant replaces arginine with glutamine at codon 623 of the APC protein. Computational prediction suggests that this variant may not impact protein structure and function (internally defined REVEL score threshold <= 0.5, PMID: 27666373). To our knowledge, functional studies have not been reported for this variant. This variant has not been reported in individuals affected with hereditary cancer in the literature. This variant has been identified in 1/31408 chromosomes in the general population by the Genome Aggregation Database (gnomAD). The available evidence is insufficient to determine the role of this variant in disease conclusively. Therefore, this variant is classified as a Variant of Uncertain Significance.